The following is an entry in ClinVar:

ClinVar aggregate classification (germline): Uncertain significance. Review status: criteria provided, multiple submitters, no conflicts (2 of 4 stars). 3 submissions from 3 submitters: Uncertain significance (3). Last evaluated 2025-08-23.

Conditions:
Autosomal recessive spastic paraplegia type 76. Identifiers: Orphanet 488594, MedGen C5567483, MONDO:0014827, OMIM 616907.

Allele frequency attached by ClinVar (database versions not stated): ESP Exome Variant Server 0.00008; ExAC 0.00013; TOPMed 0.00005; gnomAD 0.00008.

Submissions (3):

3billion
Classification: Uncertain significance for Autosomal recessive spastic paraplegia type 76. Last evaluated: 2025-08-23. Review status: criteria provided, single submitter. Criteria: ACMG Guidelines, 2015. Collection method: clinical testing. Allele origin: germline. Affected: yes.
Comment: The variant is observed at an extremely low frequency in the gnomAD v4.1.0 dataset (total allele frequency: 0.008%). Predicted Consequence/Location: Missense variant. The majority of the known disease-causing variants of this gene are variants expected to result in premature termination of the protein. In silico tool predictions suggest damaging effect of the variant on gene or gene product [REVEL: 0.69 (>=0.6, sensitivity 0.68 and specificity 0.92); 3Cnet: 0.23 (> 0.75, sensitivity 0.96 and precision 0.92)]. The same nucleotide change resulting in the same amino acid change has been previously reported to be associated with CAPN1-related disorder (PMID: 28566166). However, the evidence of pathogenicity is insufficient at this time. Therefore, this variant is classified as VUS according to the recommendation of ACMG/AMP guideline.

Genomic Medicine Center of Excellence, King Faisal Specialist Hospital and Research Centre
Classification: Uncertain significance for Autosomal recessive spastic paraplegia type 76. Last evaluated: 2024-04-04. Review status: criteria provided, single submitter. Criteria: ACMG Guidelines, 2015. Collection method: clinical testing. Allele origin: germline.

Labcorp Genetics (formerly Invitae), Labcorp
Classification: Uncertain significance. Last evaluated: 2022-04-11. Review status: criteria provided, single submitter. Criteria: Invitae Variant Classification Sherloc (09022015). Collection method: clinical testing. Allele origin: germline.
Comment: In summary, the available evidence is currently insufficient to determine the role of this variant in disease. Therefore, it has been classified as a Variant of Uncertain Significance. Algorithms developed to predict the effect of missense changes on protein structure and function are either unavailable or do not agree on the potential impact of this missense change (SIFT: "Deleterious"; PolyPhen-2: "Probably Damaging"; Align-GVGD: "Class C0"). This missense change has been observed in individual(s) with clinical features of hereditary spastic paraplegia (PMID: 28566166). This variant is present in population databases (rs377052700, gnomAD 0.03%). This sequence change replaces threonine, which is neutral and polar, with methionine, which is neutral and non-polar, at codon 304 of the CAPN1 protein (p.Thr304Met).

Literature cited by the submitters: PubMed 28566166 (cited by 3billion and Labcorp Genetics (formerly Invitae), Labcorp).

NM_005186.4(CAPN1):c.911C>T (p.Thr304Met)

Gene: CAPN1 (calpain 1; plus strand). Cytogenetic location: 11q13.1.
Variant type: single nucleotide variant.
Coding change: c.911C>T on transcript NM_005186.4 (MANE Select); coding-DNA position 911, C replaced by T.
Protein change: p.Thr304Met; replaces threonine 304 with methionine.
Molecular consequence: missense variant. On other transcripts: non-coding transcript variant (1).
Genome position (GRCh38, 1-based): chr11:65,188,022, C>T. VCF-style: chr11-65188022-C-T. GRCh37 (hg19) VCF-style: chr11-64955493-C-T.
Other names: c.911C>T, p.Thr304Met (NM_001198868.2, NM_001198869.2); c.749C>T, p.Thr250Met (NM_001198870.1); short protein forms T250M, T304M.
Identifiers: ClinVar variation 2060731 (VCV002060731.6), dbSNP rs377052700, ClinGen allele CA6093221.